The following is an entry in ClinVar:

ClinVar aggregate classification (germline): Uncertain significance. Review status: criteria provided, multiple submitters, no conflicts (2 of 4 stars). 2 submissions from 2 submitters: Uncertain significance (2). Last evaluated 2024-12-23.

Allele frequency attached by ClinVar (database versions not stated): ESP Exome Variant Server 0.00008; gnomAD 0.00009; TOPMed 0.00012; 1000 Genomes Project 0.00020; 1000 Genomes Project 30x 0.00031.
gnomAD v4.1: 49 of 1,613,102 alleles (0.003%); highest among the groups gnomAD compares: Admixed American, 0.05%; no homozygotes.

Submissions (2):

Labcorp Genetics (formerly Invitae), Labcorp
Classification: Uncertain significance. Last evaluated: 2024-12-23. Review status: criteria provided, single submitter. Criteria: Invitae Variant Classification Sherloc (09022015). Collection method: clinical testing. Allele origin: germline.
Comment: This sequence change replaces alanine, which is neutral and non-polar, with valine, which is neutral and non-polar, at codon 34 of the FCHO1 protein (p.Ala34Val). This variant is present in population databases (rs201598105, gnomAD 0.06%). This variant has not been reported in the literature in individuals affected with FCHO1-related conditions. ClinVar contains an entry for this variant (Variation ID: 1364560). An algorithm developed to predict the effect of missense changes on protein structure and function outputs the following: PolyPhen-2: "Probably Damaging". The valine amino acid residue is found in multiple mammalian species, which suggests that this missense change does not adversely affect protein function. In summary, the available evidence is currently insufficient to determine the role of this variant in disease. Therefore, it has been classified as a Variant of Uncertain Significance.

Blueprint Genetics
Classification: Uncertain significance. Last evaluated: 2023-02-03. Review status: criteria provided, single submitter. Criteria: ACMG Guidelines, 2015. Collection method: clinical testing. Allele origin: germline.

NM_015122.3(FCHO1):c.101C>T (p.Ala34Val)

Gene: FCHO1 (FCH and mu domain containing endocytic adaptor 1; plus strand). Cytogenetic location: 19p13.11.
Variant type: single nucleotide variant.
Coding change: c.101C>T on transcript NM_015122.3 (MANE Select); coding-DNA position 101, C replaced by T.
Protein change: p.Ala34Val; replaces alanine 34 with valine.
Molecular consequence: missense variant. On other transcripts: 5 prime UTR variant (6), non-coding transcript variant (36).
Genome position (GRCh38, 1-based): chr19:17,762,835, C>T. VCF-style: chr19-17762835-C-T. GRCh37 (hg19) VCF-style: chr19-17873644-C-T.
Other names: c.101C>T, p.Ala34Val (NM_001161357.2, NM_001161358.2, NM_001384370.1 and 30 more transcripts); c.-50C>T (NM_001161359.2, NM_001384384.1, NM_001384385.1 and 3 more transcripts); short protein forms A34V.
Identifiers: ClinVar variation 1364560 (VCV001364560.8), dbSNP rs201598105, ClinGen allele CA9299961.